The following is an entry in ClinVar:

ClinVar aggregate classification (germline): Conflicting classifications of pathogenicity. Review status: criteria provided, conflicting classifications (1 of 4 stars). 5 submissions from 5 submitters: Uncertain significance (3); Likely benign (2). Last evaluated 2026-08-28.

Conditions:
LRP2-related disorder. Also called: LRP2-related condition.
Inborn genetic diseases. Identifiers: MedGen C0950123, MeSH D030342.
Donnai-Barrow syndrome. Also called: DBS/FOAR SYNDROME; FACIOOCULOACOUSTICORENAL SYNDROME. Identifiers: Orphanet 2143, MedGen C1857277, MONDO:0009104, OMIM 222448.

Allele frequency attached by ClinVar (database versions not stated): gnomAD 0.00001; gnomAD exomes 0.00004 and 0.00015; TOPMed 0.00004; ExAC 0.00013.
gnomAD v4.1: 52 of 1,613,968 alleles (0.0032%); highest among the groups gnomAD compares: Admixed American, 0.068%; no homozygotes.

Submissions (5):

PreventionGenetics, part of Exact Sciences
Classification: Uncertain significance for LRP2-related condition. Last evaluated: 2026-08-28. Review status: criteria provided, single submitter. Criteria: ACMG Guidelines, 2015. Collection method: clinical testing. Allele origin: germline.
Comment: The LRP2 c.4988G>A variant is predicted to result in the amino acid substitution p.Arg1663His. To our knowledge, this variant has not been reported in the literature. This variant is reported in 0.095% of alleles in individuals of Lationo descent in gnomAD. Although we suspect that this variant may be benign, at this time, the clinical significance of this variant is uncertain due to the absence of conclusive functional and genetic evidence.

Ambry Genetics
Classification: Likely benign for Inborn genetic diseases. Last evaluated: 2026-02-04. Review status: criteria provided, single submitter. Criteria: Ambry Variant Classification Scheme 2023. Collection method: clinical testing. Allele origin: germline.

Labcorp Genetics (formerly Invitae), Labcorp
Classification: Likely benign. Last evaluated: 2025-12-27. Review status: criteria provided, single submitter. Criteria: Invitae Variant Classification Sherloc (09022015). Collection method: clinical testing. Allele origin: germline.

Blueprint Genetics
Classification: Uncertain significance. Last evaluated: 2024-09-09. Review status: criteria provided, single submitter. Criteria: ACMG Guidelines, 2015. Collection method: clinical testing. Allele origin: germline.

Fulgent Genetics
Classification: Uncertain significance for Donnai-Barrow syndrome. Last evaluated: 2024-03-18. Review status: criteria provided, single submitter. Criteria: ACMG Guidelines, 2015. Collection method: clinical testing. Allele origin: germline.

NM_004525.3(LRP2):c.4988G>A (p.Arg1663His)

Gene: LRP2 (LDL receptor related protein 2; minus strand). Cytogenetic location: 2q31.1.
Variant type: single nucleotide variant.
Coding change: c.4988G>A on transcript NM_004525.3 (MANE Select); coding-DNA position 4988, G replaced by A.
Protein change: p.Arg1663His; replaces arginine 1663 with histidine.
Molecular consequence: missense variant.
Genome position (GRCh38, 1-based): chr2:169,233,521, C>T on the plus strand (G>A on the coding strand, the complement: LRP2 is on the minus strand). VCF-style: chr2-169233521-C-T. GRCh37 (hg19) VCF-style: chr2-170090031-C-T.
Other names: c.4988G>A (NM_004525.2); short protein forms R1663H.
Identifiers: ClinVar variation 1078589 (VCV001078589.13), dbSNP rs200766881, ClinGen allele CA1954654.